The following is an entry in ClinVar:

ClinVar aggregate classification (germline): Benign. Review status: criteria provided, multiple submitters, no conflicts (2 of 4 stars). 3 submissions from 3 submitters: Benign (3). Last evaluated 2024-11-28.

Allele frequency attached by ClinVar (database versions not stated): ESP Exome Variant Server 0.26319; TOPMed 0.27156; gnomAD 0.28010; gnomAD exomes 0.30208; ExAC 0.32010; 1000 Genomes Project 30x 0.34400; 1000 Genomes Project 0.35064.
gnomAD v4.1: 484,618 of 1,613,640 alleles (30%); highest among the groups gnomAD compares: East Asian, 69%; 77,706 homozygotes.

Submissions (3):

Blueprint Genetics
Classification: Benign. Last evaluated: 2024-11-28. Review status: criteria provided, single submitter. Criteria: ACMG Guidelines, 2015. Collection method: clinical testing. Allele origin: germline.

Unidad de Genómica Garrahan, Hospital de Pediatría Garrahan
Classification: Benign. Last evaluated: 2023-11-12. Review status: criteria provided, single submitter. Criteria: ACMG Guidelines, 2015. Collection method: clinical testing. Allele origin: germline. Affected: no. Observed: 46 variant alleles.
Comment: This variant is classified as Benign based on local population frequency. This variant was detected in 48% of patients studied by a panel of primary immunodeficiencies. Number of patients: 46. Only high quality variants are reported.

Mayo Clinic Laboratories, Mayo Clinic
Classification: Benign. Last evaluated: 2022-09-06. Review status: criteria provided, single submitter. Criteria: ACMG Guidelines, 2015. Collection method: clinical testing. Allele origin: germline. Observed: 141 variant alleles.

NM_001252.5(CD70):c.345C>T (p.Cys115=)

Gene: CD70 (CD70 molecule; minus strand). Cytogenetic location: 19p13.3.
Variant type: single nucleotide variant.
Coding change: c.345C>T on transcript NM_001252.5 (MANE Select); coding-DNA position 345, C replaced by T.
Protein change: p.Cys115=; no amino-acid change (cysteine 115 retained).
Molecular consequence: synonymous variant.
Genome position (GRCh38, 1-based): chr19:6,586,257, G>A on the plus strand (C>T on the coding strand, the complement: CD70 is on the minus strand). VCF-style: chr19-6586257-G-A. GRCh37 (hg19) VCF-style: chr19-6586268-G-A.
Other names: p.Cys115=; c.345C>T, p.Cys115= (NM_001330332.2).
Identifiers: ClinVar variation 2628186 (VCV002628186.4), dbSNP rs1862511, ClinGen allele CA9127829.